The following is an entry in ClinVar:

ClinVar aggregate classification (germline): Uncertain significance (1 of 4 stars; one submission).

Submission:

Labcorp Genetics (formerly Invitae), Labcorp
Classification: Uncertain significance. Last evaluated: 2021-10-28. Review status: criteria provided, single submitter. Criteria: Invitae Variant Classification Sherloc (09022015). Collection method: clinical testing. Allele origin: germline.
Comment: In summary, the available evidence is currently insufficient to determine the role of this variant in disease. Therefore, it has been classified as a Variant of Uncertain Significance. Algorithms developed to predict the effect of missense changes on protein structure and function are either unavailable or do not agree on the potential impact of this missense change (SIFT: "Deleterious"; PolyPhen-2: "Not Available"; Align-GVGD: "Class C0"). This variant has not been reported in the literature in individuals affected with PCLO-related conditions. This variant is not present in population databases (gnomAD no frequency). This sequence change replaces leucine, which is neutral and non-polar, with valine, which is neutral and non-polar, at codon 5134 of the PCLO protein (p.Leu5134Val).

NM_033026.6(PCLO):c.15400C>G (p.Leu5134Val)

Gene: PCLO (piccolo presynaptic cytomatrix protein; minus strand). Cytogenetic location: 7q21.11.
Variant type: single nucleotide variant.
Coding change: c.15400C>G on transcript NM_033026.6 (MANE Select); coding-DNA position 15400, C replaced by G.
Protein change: p.Leu5134Val; replaces leucine 5134 with valine.
Molecular consequence: missense variant.
Genome position (GRCh38, 1-based): chr7:82,758,604, G>C on the plus strand (C>G on the coding strand, the complement: PCLO is on the minus strand). VCF-style: chr7-82758604-G-C. GRCh37 (hg19) VCF-style: chr7-82387920-G-C.
Other names: short protein forms L5134V.
Identifiers: ClinVar variation 1423411 (VCV001423411.6), dbSNP rs2129467449, ClinGen allele CA368019044.